The following is an entry in ClinVar:

ClinVar aggregate classification (germline): Pathogenic (1 of 4 stars; one submission).

Conditions:
Hereditary cancer-predisposing syndrome. Also called: Tumor predisposition; Hereditary Cancer Syndrome; Hereditary neoplastic syndrome; Neoplastic Syndromes, Hereditary. Identifiers: Orphanet 140162, MedGen C0027672, MeSH D009386, MONDO:0015356.

Submission:

Ambry Genetics
Classification: Pathogenic for Hereditary cancer-predisposing syndrome. Last evaluated: 2024-05-15. Review status: criteria provided, single submitter. Criteria: Ambry Variant Classification Scheme 2023. Collection method: clinical testing. Allele origin: germline.
Comment: The c.1734delA pathogenic mutation, located in coding exon 13 of the APC gene, results from a deletion of one nucleotide at nucleotide position 1734, causing a translational frameshift with a predicted alternate stop codon (p.V579Lfs*11). This variant has been observed in at least one individual with a personal and/or family history that is consistent with familial adenomatous polyposis (FAP) (Ambry internal data). This variant is considered to be rare based on population cohorts in the Genome Aggregation Database (gnomAD). This alteration is expected to result in loss of function by premature protein truncation or nonsense-mediated mRNA decay. As such, this alteration is interpreted as a disease-causing mutation.

NM_000038.6(APC):c.1734del (p.Val579fs)

Gene: APC (APC regulator of Wnt signaling pathway; plus strand). Cytogenetic location: 5q22.2.
Variant type: Deletion.
Coding change: c.1734del on transcript NM_000038.6 (MANE Select); coding-DNA position 1734, one base deleted (A; older notation c.1734delA).
Protein change: p.Val579fs; shifts the reading frame from valine 579.
Molecular consequence: frameshift variant.
Genome position (GRCh38, 1-based): chr5:112,828,963, A deleted; the last of 2 consecutive A bases (chr5:112,828,962-112,828,963); deleting either gives the same sequence. VCF-style (leftmost placement, unchanged base first): chr5-112828961-GA-G. GRCh37 (hg19) VCF-style: chr5-112164658-GA-G.
Other names: c.1734del, p.Val579fs (NM_001127510.3, NM_001354895.2, NM_001407450.1); c.1680del, p.Val561fs (NM_001127511.3); c.1788del, p.Val597fs (NM_001354896.2, NM_001407447.1, NM_001407448.1 and 1 more transcripts); c.1611del, p.Val538fs (NM_001354900.2); c.1557del, p.Val520fs (NM_001354901.2, NM_001407453.1); c.1461del, p.Val488fs (NM_001354902.2); c.1659del, p.Val554fs (NM_001354898.2); c.1764del, p.Val589fs (NM_001354897.2); and 11 more; short protein forms V419fs, V478fs, V538fs, V551fs, V579fs, V520fs, V561fs, V607fs.
Identifiers: ClinVar variation 3305019 (VCV003305019.1).